The following is an entry in ClinVar:

ClinVar aggregate classification (germline): Benign/Likely benign. Review status: criteria provided, multiple submitters, no conflicts (2 of 4 stars). 7 submissions from 7 submitters: Benign (3); Likely benign (4). Last evaluated 2026-08-01.

Conditions:
FLNB-Related Spectrum Disorders.
Connective tissue disorder. Also called: Connective tissue disease. Identifiers: MedGen C0009782, MONDO:0003900.

Allele frequency attached by ClinVar (database versions not stated): 1000 Genomes Project 0.00240; 1000 Genomes Project 30x 0.00250; ESP Exome Variant Server 0.00423; gnomAD 0.00478 and 0.00503; gnomAD exomes 0.00496 and 0.00533; TOPMed 0.00515; ExAC 0.00546.

Submissions (7):

CeGaT Center for Human Genetics Tuebingen
Classification: Likely benign. Last evaluated: 2026-08-01. Review status: criteria provided, single submitter. Criteria: CeGaT Center For Human Genetics Tuebingen Variant Classification Criteria Version 2. Collection method: clinical testing. Allele origin: germline. Affected: yes. Observed: 19 variant alleles.
Comment: FLNB: BS2

Labcorp Genetics (formerly Invitae), Labcorp
Classification: Benign. Last evaluated: 2026-02-04. Review status: criteria provided, single submitter. Criteria: Invitae Variant Classification Sherloc (09022015). Collection method: clinical testing. Allele origin: germline.

ARUP Laboratories, Molecular Genetics and Genomics, ARUP Laboratories
Classification: Likely benign. Last evaluated: 2025-03-07. Review status: criteria provided, single submitter. Criteria: ARUP Molecular Germline Variant Investigation Process 2024. Collection method: clinical testing. Allele origin: germline.

Genome Diagnostics Laboratory, The Hospital for Sick Children
Classification: Benign for Connective tissue disorder. Last evaluated: 2021-12-06. Review status: criteria provided, single submitter. Criteria: ACMG Guidelines, 2015. Collection method: clinical testing. Allele origin: germline.

GeneDx
Classification: Benign. Last evaluated: 2018-03-26. Review status: criteria provided, single submitter. Criteria: GeneDx Variant Classification (06012015). Collection method: clinical testing. Allele origin: germline. Affected: yes.
Comment: This variant is considered likely benign or benign based on one or more of the following criteria: it is a conservative change, it occurs at a poorly conserved position in the protein, it is predicted to be benign by multiple in silico algorithms, and/or has population frequency not consistent with disease.

Illumina Laboratory Services, Illumina
Classification: Likely benign for FLNB-Related Spectrum Disorders. Last evaluated: 2018-01-12. Review status: criteria provided, single submitter. Criteria: ICSL Variant Classification Criteria 13 December 2019. Collection method: clinical testing. Allele origin: germline.
Comment: This variant was observed in the ICSL laboratory as part of a predisposition screen in an ostensibly healthy population. It had not been previously curated by ICSL or reported in the Human Gene Mutation Database (HGMD: prior to June 1st, 2018), and was therefore a candidate for classification through an automated scoring system. Utilizing variant allele frequency, disease prevalence and penetrance estimates, and inheritance mode, an automated score was calculated to assess if this variant is too frequent to cause the disease. Based on the score and internal cut-off values, a variant classified as likely benign is not then subjected to further curation. The score for this variant resulted in a classification of likely benign for this disease.

Breakthrough Genomics
Classification: Likely benign. Review status: criteria provided, single submitter. Criteria: ACMG Guidelines, 2015. Collection method: not provided. Allele origin: germline. Inheritance: Autosomal recessive inheritance. Affected: yes.

NM_001457.4(FLNB):c.3785G>C (p.Gly1262Ala)

Gene: FLNB (filamin B; plus strand). Cytogenetic location: 3p14.3.
Variant type: single nucleotide variant.
Coding change: c.3785G>C on transcript NM_001457.4 (MANE Select); coding-DNA position 3785, G replaced by C.
Protein change: p.Gly1262Ala; replaces glycine 1262 with alanine.
Molecular consequence: missense variant.
Genome position (GRCh38, 1-based): chr3:58,124,392, G>C. VCF-style: chr3-58124392-G-C. GRCh37 (hg19) VCF-style: chr3-58110119-G-C.
Other names: c.3785G>C, p.Gly1262Ala (NM_001164317.2, NM_001164318.2, NM_001164319.2); short protein forms G1262A.
Identifiers: ClinVar variation 624028 (VCV000624028.67), dbSNP rs111330368, ClinGen allele CA2468539.